The following is an entry in ClinVar:

ClinVar aggregate classification (germline): Likely benign. Review status: criteria provided, single submitter (1 of 4 stars). 2 submissions from 2 submitters: Likely benign (1). 1 of the submissions does not count toward it. Last evaluated 2024-05-21.

Conditions:
CARD9-related disorder. Also called: CARD9-related condition.
Predisposition to invasive fungal disease due to CARD9 deficiency (IMD103). Also called: Candidiasis, familial, 2, autosomal recessive; CARD9 IMMUNODEFICIENCY; IMMUNODEFICIENCY 103, SUSCEPTIBILITY TO FUNGAL INFECTIONS. Identifiers: Orphanet 457088, MedGen C1859353, MONDO:0008905, OMIM 212050.

Allele frequency attached by ClinVar (database versions not stated): TOPMed below 0.00001; gnomAD 0.00005; gnomAD exomes 0.00006; ExAC 0.00010.
gnomAD v4.1: 97 of 1,599,644 alleles (0.0061%); highest among the groups gnomAD compares: South Asian, 0.0067%; no homozygotes.

Submissions (2):

Labcorp Genetics (formerly Invitae), Labcorp
Classification: Likely benign for Predisposition to invasive fungal disease due to CARD9 deficiency. Last evaluated: 2024-05-21. Review status: criteria provided, single submitter. Criteria: Invitae Variant Classification Sherloc (09022015). Collection method: clinical testing. Allele origin: germline.

PreventionGenetics, part of Exact Sciences
Classification: Likely benign for CARD9-related condition. Last evaluated: 2022-11-22. Review status: no assertion criteria provided. Collection method: clinical testing. Allele origin: germline. Not counted in ClinVar's aggregate classification.
Comment: This variant is classified as likely benign based on ACMG/AMP sequence variant interpretation guidelines (Richards et al. 2015 PMID: 25741868, with internal and published modifications).

NM_052813.5(CARD9):c.322+10G>A

Gene: CARD9 (caspase recruitment domain family member 9; minus strand). Cytogenetic location: 9q34.3.
Variant type: single nucleotide variant.
Coding change: c.322+10G>A on transcript NM_052813.5 (MANE Select); 10 bases into the intron after coding-DNA position 322, G replaced by A.
Molecular consequence: intron variant.
Genome position (GRCh38, 1-based): chr9:136,371,314, C>T on the plus strand (G>A on the coding strand, the complement: CARD9 is on the minus strand). VCF-style: chr9-136371314-C-T. GRCh37 (hg19) VCF-style: chr9-139265766-C-T.
Other names: c.322+10G>A (NM_052813.4, NM_052814.4).
Identifiers: ClinVar variation 2081602 (VCV002081602.6), dbSNP rs779524807, ClinGen allele CA5333184.
Genomic context (GRCh38, chr9:136,371,314, plus strand): 5'-GAGGACCCAACACCACTGCCCGCTCCCCGCCAGCGCCTCCCCTGTCGGCCCCGCCTCCCC[C>T]GTCACTCACCGATGATCATGGAGAAGACGCGGGCCGGCTCCTTGCCTGTGACCTTCTTGT-3'